The following is an entry in ClinVar:

NM_005052.3(RAC3):c.495G>A (p.Leu165=)

Gene: RAC3 (Rac family small GTPase 3; plus strand). Cytogenetic location: 17q25.3.
Variant type: single nucleotide variant.
Coding change: c.495G>A on transcript NM_005052.3 (MANE Select); coding-DNA position 495, G replaced by A.
Protein change: p.Leu165=; no amino-acid change (leucine 165 retained).
Molecular consequence: synonymous variant. On other transcripts: missense variant (1).
Genome position (GRCh38, 1-based): chr17:82,033,745, G>A. VCF-style: chr17-82033745-G-A. GRCh37 (hg19) VCF-style: chr17-79991621-G-A.
Other names: c.499G>A, p.Glu167Lys (NM_001316307.2); short protein forms E167K.
Identifiers: ClinVar variation 2648479 (VCV002648479.24), dbSNP rs766417072, ClinGen allele CA8848466.
Genomic context (GRCh38, chr17:82,033,745, plus strand): 5'-CTCACTGCCGCTAGGCTCTGTGAAATACCTGGAGTGCTCAGCCCTGACCCAGCGGGGCCT[G>A]AAGACAGTGTTTGACGAGGCGATCCGCGCGGTGCTCTGCCCGCCCCCAGTGAAGAAGCCG-3'
Protein context (NP_005043.1, residues 155-175): LECSALTQRG[Leu165=]KTVFDEAIRA

ClinVar aggregate classification (germline): Likely benign (1 of 4 stars; one submission).

Allele frequency attached by ClinVar (database versions not stated): ExAC 0.00005; gnomAD exomes 0.00005; gnomAD 0.00011; TOPMed 0.00013.
gnomAD v4.1: 89 of 1,612,972 alleles (0.0055%); highest among the groups gnomAD compares: Admixed American, 0.048%; no homozygotes.

Submission:

CeGaT Center for Human Genetics Tuebingen
Classification: Likely benign. Last evaluated: 2022-03-01. Review status: criteria provided, single submitter. Criteria: CeGaT Center For Human Genetics Tuebingen Variant Classification Criteria Version 2. Collection method: clinical testing. Allele origin: germline. Affected: yes. Observed: 1 variant allele.
Comment: RAC3: BP4, BP7